The following is an entry in ClinVar:

ClinVar aggregate classification (germline): Likely benign (1 of 4 stars; one submission).

Allele frequency attached by ClinVar (database versions not stated): TOPMed 0.00005; gnomAD exomes 0.00007; gnomAD 0.00008; 1000 Genomes Project 30x 0.00016; ExAC 0.00016; 1000 Genomes Project 0.00020.
gnomAD v4.1: 106 of 1,538,210 alleles (0.0069%); highest among the groups gnomAD compares: Non-Finnish European, 0.0023%; no homozygotes.

Submission:

CeGaT Center for Human Genetics Tuebingen
Classification: Likely benign. Last evaluated: 2025-05-01. Review status: criteria provided, single submitter. Criteria: CeGaT Center For Human Genetics Tuebingen Variant Classification Criteria Version 2. Collection method: clinical testing. Allele origin: germline. Affected: yes. Observed: 2 variant alleles.
Comment: OTOG: BP4, BP7

NM_001292063.2(OTOG):c.2736C>T (p.Leu912=)

Gene: OTOG (otogelin; plus strand). Cytogenetic location: 11p15.1.
Variant type: single nucleotide variant.
Coding change: c.2736C>T on transcript NM_001292063.2 (MANE Select); coding-DNA position 2736, C replaced by T.
Protein change: p.Leu912=; no amino-acid change (leucine 912 retained).
Molecular consequence: synonymous variant.
Genome position (GRCh38, 1-based): chr11:17,578,503, C>T. VCF-style: chr11-17578503-C-T. GRCh37 (hg19) VCF-style: chr11-17600050-C-T.
Other names: c.2772C>T, p.Leu924= (NM_001277269.2).
Identifiers: ClinVar variation 3250840 (VCV003250840.18), dbSNP rs190031749.